The following is an entry in ClinVar:

NM_032578.4(MYPN):c.2420T>C (p.Phe807Ser)

Gene: MYPN (myopalladin; plus strand). Cytogenetic location: 10q21.3.
Variant type: single nucleotide variant.
Coding change: c.2420T>C on transcript NM_032578.4 (MANE Select); coding-DNA position 2420, T replaced by C.
Protein change: p.Phe807Ser; replaces phenylalanine 807 with serine.
Molecular consequence: missense variant. On other transcripts: non-coding transcript variant (2).
Genome position (GRCh38, 1-based): chr10:68,174,512, T>C. VCF-style: chr10-68174512-T-C. GRCh37 (hg19) VCF-style: chr10-69934269-T-C.
Other names: c.2420T>C, p.Phe807Ser (NM_001256267.2); c.1538T>C, p.Phe513Ser (NM_001256268.2); c.2420T>C (NM_032578.2); short protein forms F807S, F513S.
Identifiers: ClinVar variation 477750 (VCV000477750.10), dbSNP rs760419556, ClinGen allele CA5522785.
Genomic context (GRCh38, chr10:68,174,512, plus strand): 5'-CAGGCCCAACAGAACCAACACCACCACCATTCACATTTTCCATCCCCAGCGGAAACCAGT[T>C]TCAGCCCCGCTGTGTGTCCCCAATTCCTGTCTCTCCTACCAGCCGGATTCAGAACCCAGT-3'
Protein context (NP_115967.2, residues 797-817): FTFSIPSGNQ[Phe807Ser]QPRCVSPIPV

ClinVar aggregate classification (germline): Uncertain significance. Review status: criteria provided, multiple submitters, no conflicts (2 of 4 stars). 2 submissions from 2 submitters: Uncertain significance (2). Last evaluated 2023-03-16.

Conditions:
Cardiovascular phenotype. Identifiers: MedGen CN230736.
Dilated cardiomyopathy 1KK (CMD1KK). Identifiers: Orphanet 154, Orphanet 75249, MedGen C3714995, MONDO:0014100, OMIM 615248.

Allele frequency attached by ClinVar (database versions not stated): ExAC 0.00001; gnomAD exomes 0.00001.
gnomAD v4.1: 7 of 1,614,094 alleles (0.00043%); highest among the groups gnomAD compares: East Asian, 0.016%; no homozygotes.

Submissions (2):

Ambry Genetics
Classification: Uncertain significance for Cardiovascular phenotype. Last evaluated: 2023-03-16. Review status: criteria provided, single submitter. Criteria: Ambry Variant Classification Scheme 2023. Collection method: clinical testing. Allele origin: germline.
Comment: The p.F807S variant (also known as c.2420T>C), located in coding exon 10 of the MYPN gene, results from a T to C substitution at nucleotide position 2420. The phenylalanine at codon 807 is replaced by serine, an amino acid with highly dissimilar properties. This amino acid position is conserved. In addition, the in silico prediction for this alteration is inconclusive. Since supporting evidence is limited at this time, the clinical significance of this alteration remains unclear.

Labcorp Genetics (formerly Invitae), Labcorp
Classification: Uncertain significance for Dilated cardiomyopathy 1KK. Last evaluated: 2017-03-05. Review status: criteria provided, single submitter. Criteria: Invitae Variant Classification Sherloc (09022015). Collection method: clinical testing. Allele origin: germline.
Comment: Algorithms developed to predict the effect of missense changes on protein structure and function do not agree on the potential impact of this missense change (SIFT: "Tolerated"; PolyPhen-2: "Possibly Damaging"; Align-GVGD: "Class C0"). This variant is present in population databases (rs760419556, ExAC 0.01%) but has not been reported in the literature in individuals with a MYPN-related disease. This sequence change replaces phenylalanine with serine at codon 807 of the MYPN protein (p.Phe807Ser). The phenylalanine residue is moderately conserved and there is a large physicochemical difference between phenylalanine and serine. In summary, this variant is a rare missense change with uncertain impact on protein function. There is no indication that it causes disease, but the available evidence is currently insufficient to prove that conclusively. Therefore, it has been classified as a Variant of Uncertain Significance.